The following is an entry in ClinVar:

ClinVar aggregate classification (germline): Likely benign. Review status: criteria provided, multiple submitters, no conflicts (2 of 4 stars). 3 submissions from 3 submitters: Likely benign (3). Last evaluated 2025-09-17.

Conditions:
Malignant hyperthermia, susceptibility to, 1 (MHS1). Also called: RYR1-Related Malignant Hyperthermia Susceptibility; Anesthesia related hyperthermia; Malignant hyperpyrexia; Fulminating hyperpyrexia; Pharmacogenic myopathy; Malignant hyperthermia suceptibility 1. Identifiers: Orphanet 423, MedGen C2930980, MONDO:0007783, OMIM 145600.
RYR1-related disorder. Also called: RYR1-related disorders; RYR1-related condition. Identifiers: MedGen CN239331.

Allele frequency attached by ClinVar (database versions not stated): gnomAD exomes 0.00001 and 0.00002; TOPMed 0.00001; ExAC 0.00002; gnomAD 0.00002.
gnomAD v4.1: 25 of 1,612,496 alleles (0.0016%); highest among the groups gnomAD compares: Non-Finnish European, 0.0018%; no homozygotes.

Submissions (3):

Labcorp Genetics (formerly Invitae), Labcorp
Classification: Likely benign for RYR1-related disorder. Last evaluated: 2025-09-17. Review status: criteria provided, single submitter. Criteria: Invitae Variant Classification Sherloc (09022015). Collection method: clinical testing. Allele origin: germline.

All of Us Research Program, National Institutes of Health
Classification: Likely benign for Malignant hyperthermia, susceptibility to, 1. Last evaluated: 2023-11-02. Review status: criteria provided, single submitter. Criteria: ACMG Guidelines, 2015. Collection method: clinical testing. Allele origin: germline. Inheritance: Autosomal dominant inheritance. Observed: 5 variant alleles, 5 heterozygotes.
Comment: This study involves interpretation of variants in research participants for the purpose of population health screening. Participant phenotype was not available at the time of variant classification. Additional details can be found in publication PMID: 35346344, PMCID: PMC8962531

Color Diagnostics, LLC DBA Color Health
Classification: Likely benign for Malignant hyperthermia, susceptibility to, 1. Last evaluated: 2022-12-12. Review status: criteria provided, single submitter. Criteria: ACMG Guidelines, 2015. Collection method: clinical testing. Allele origin: germline.

NM_000540.3(RYR1):c.9686-8T>C

Gene: RYR1 (ryanodine receptor 1; plus strand). Cytogenetic location: 19q13.2.
Variant type: single nucleotide variant.
Coding change: c.9686-8T>C on transcript NM_000540.3 (MANE Select); 8 bases into the intron before coding-DNA position 9686, T replaced by C.
Molecular consequence: intron variant.
Genome position (GRCh38, 1-based): chr19:38,517,351, T>C. VCF-style: chr19-38517351-T-C. GRCh37 (hg19) VCF-style: chr19-39007991-T-C.
Other names: c.9686-8T>C (NM_001042723.2).
Identifiers: ClinVar variation 695643 (VCV000695643.13), dbSNP rs755786200, ClinGen allele CA074041.